The following is an entry in ClinVar:

ClinVar aggregate classification (germline): Likely pathogenic (1 of 4 stars; one submission).

Conditions:
Nephronophthisis 4 (NPHP4). Also called: NEPHRONOPHTHISIS 4, JUVENILE. Identifiers: Orphanet 655, MedGen C1847013, MONDO:0011752, OMIM 606966.

Submission:

3billion
Classification: Likely pathogenic for Nephronophthisis 4. Last evaluated: 2024-06-22. Review status: criteria provided, single submitter. Criteria: ACMG Guidelines, 2015. Collection method: clinical testing. Allele origin: germline. Affected: yes.
Comment: The variant is not observed in the gnomAD v4.0.0 dataset. Predicted Consequence/Location: Stop-gained (nonsense): predicted to result in a loss or disruption of normal protein function through nonsense-mediated decay (NMD) or protein truncation. Multiple pathogenic variants are reported downstream of the variant. Therefore, this variant is classified as Likely pathogenic according to the recommendation of ACMG/AMP guideline.

NM_015102.5(NPHP4):c.502C>T (p.Gln168Ter)

Gene: NPHP4 (nephrocystin 4; minus strand). Cytogenetic location: 1p36.31.
Variant type: single nucleotide variant.
Coding change: c.502C>T on transcript NM_015102.5 (MANE Select); coding-DNA position 502, C replaced by T.
Protein change: p.Gln168Ter; replaces glutamine 168 with a stop codon.
Molecular consequence: nonsense. On other transcripts: 5 prime UTR variant (2), non-coding transcript variant (1).
Genome position (GRCh38, 1-based): chr1:5,967,314, G>A on the plus strand (C>T on the coding strand, the complement: NPHP4 is on the minus strand). VCF-style: chr1-5967314-G-A. GRCh37 (hg19) VCF-style: chr1-6027374-G-A.
Other names: c.-728C>T (NM_001291593.2); c.-865C>T (NM_001291594.2); short protein forms Q168*.
Identifiers: ClinVar variation 4292780 (VCV004292780.1).
Genomic context (GRCh38, chr1:5,967,314, plus strand): 5'-GGCACGAGAGCAGTGAGTGCTGCCAAGGCCAGGTCTGGCTCTTACGCTCTGCGGGGTCCT[G>A]GAGAAGCGGGTGCAGGAGGGCTCTGGGGGTGCCATGGTACAGCCGCAACCTGGAAGACAG-3'